The following is an entry in ClinVar:

NM_020872.3(CNTN3):c.1970C>T (p.Thr657Met)

Gene: CNTN3 (contactin 3; minus strand). Cytogenetic location: 3p12.3.
Variant type: single nucleotide variant.
Coding change: c.1970C>T on transcript NM_020872.3 (MANE Select); coding-DNA position 1970, C replaced by T.
Protein change: p.Thr657Met; replaces threonine 657 with methionine.
Molecular consequence: missense variant.
Genome position (GRCh38, 1-based): chr3:74,301,523, G>A on the plus strand (C>T on the coding strand, the complement: CNTN3 is on the minus strand). VCF-style: chr3-74301523-G-A. GRCh37 (hg19) VCF-style: chr3-74350674-G-A.
Other names: c.1970C>T, p.Thr657Met (NM_001393376.1); short protein forms T657M.
Identifiers: ClinVar variation 774424 (VCV000774424.6), dbSNP rs139861462, ClinGen allele CA2495070.
Genomic context (GRCh38, chr3:74,301,523, plus strand): 5'-GCTACAACCCGAAATTCATATTCCACCCATGGGTTTAACTCAACTACAGTGGCTGTGTGC[G>A]TCTTCCCATCGATGACCTCAGGCACTACAAAGGAATATTTCAGAGGTAAGAGTCTGCCTG-3'
Protein context (NP_065923.1, residues 647-667): TTVPEVIDGK[Thr657Met]HTATVVELNP

ClinVar aggregate classification (germline): Benign. Review status: criteria provided, multiple submitters, no conflicts (2 of 4 stars). 3 submissions from 3 submitters: Benign (2). 1 of the submissions does not count toward it. Last evaluated 2018-07-02.

Conditions:
CNTN3-related disorder. Also called: CNTN3-related condition.

Allele frequency attached by ClinVar (database versions not stated): 1000 Genomes Project 30x 0.00062; 1000 Genomes Project 0.00080; gnomAD exomes 0.00342; ExAC 0.00359; gnomAD 0.00366; TOPMed 0.00368; ESP Exome Variant Server 0.00531.
gnomAD v4.1: 8,584 of 1,613,964 alleles (0.53%); highest among the groups gnomAD compares: Non-Finnish European, 0.66%; 29 homozygotes.

Submissions (3):

Labcorp Genetics (formerly Invitae), Labcorp
Classification: Benign. Last evaluated: 2018-07-02. Review status: criteria provided, single submitter. Criteria: Invitae Variant Classification Sherloc (09022015). Collection method: clinical testing. Allele origin: germline.

Breakthrough Genomics
Classification: Benign. Review status: criteria provided, single submitter. Criteria: ACMG Guidelines, 2015. Collection method: not provided. Allele origin: germline. Inheritance: Unknown mechanism. Affected: yes.

PreventionGenetics, part of Exact Sciences
Classification: Likely benign for CNTN3-related condition. Last evaluated: 2020-01-22. Review status: no assertion criteria provided. Collection method: clinical testing. Allele origin: germline. Not counted in ClinVar's aggregate classification.
Comment: This variant is classified as likely benign based on ACMG/AMP sequence variant interpretation guidelines (Richards et al. 2015 PMID: 25741868, with internal and published modifications).